The following is an entry in ClinVar:

NM_000393.5(COL5A2):c.1246C>T (p.Pro416Ser)

Gene: COL5A2 (collagen type V alpha 2 chain; minus strand). Cytogenetic location: 2q32.2.
Variant type: single nucleotide variant.
Coding change: c.1246C>T on transcript NM_000393.5 (MANE Select); coding-DNA position 1246, C replaced by T.
Protein change: p.Pro416Ser; replaces proline 416 with serine.
Molecular consequence: missense variant.
Genome position (GRCh38, 1-based): chr2:189,068,797, G>A on the plus strand (C>T on the coding strand, the complement: COL5A2 is on the minus strand). VCF-style: chr2-189068797-G-A. GRCh37 (hg19) VCF-style: chr2-189933523-G-A.
Other names: short protein forms P416S.
Identifiers: ClinVar variation 1503542 (VCV001503542.6), dbSNP rs1412825331, ClinGen allele CA349853528.
Genomic context (GRCh38, chr2:189,068,797, plus strand): 5'-AGAAATGTCCAGCTTTCTGGGCTGGTTCTTAAATATGCTAGAAACTTACAGGAAGACCTG[G>A]AGAGCCAACTGGACCTGGGGGCCCAGTTTCACCTCTCTGCCCCTGAGGACCTTCAGGGCC-3'
Protein context (NP_000384.2, residues 406-426): ETGPPGPVGS[Pro416Ser]GLPGAIGTDG

ClinVar aggregate classification (germline): Uncertain significance (1 of 4 stars; one submission).

Conditions:
Ehlers-Danlos syndrome, classic type, 1 (EDSCL1). Also called: EHLERS-DANLOS SYNDROME, GRAVIS TYPE; EHLERS-DANLOS SYNDROME, SEVERE CLASSIC TYPE; Ehlers-Danlos syndrome, type 1; Ehlers-Danlos Syndrome, Classic Type, COL5A1-Related; EDS I. Identifiers: MedGen C0268335, MONDO:0019567, OMIM 130000.

Submission:

Labcorp Genetics (formerly Invitae), Labcorp
Classification: Uncertain significance for Ehlers-Danlos syndrome, classic type, 1. Last evaluated: 2022-07-26. Review status: criteria provided, single submitter. Criteria: Invitae Variant Classification Sherloc (09022015). Collection method: clinical testing. Allele origin: germline.
Comment: In summary, the available evidence is currently insufficient to determine the role of this variant in disease. Therefore, it has been classified as a Variant of Uncertain Significance. Advanced modeling of protein sequence and biophysical properties (such as structural, functional, and spatial information, amino acid conservation, physicochemical variation, residue mobility, and thermodynamic stability) performed at Invitae indicates that this missense variant is not expected to disrupt COL5A2 protein function. ClinVar contains an entry for this variant (Variation ID: 1503542). This variant has not been reported in the literature in individuals affected with COL5A2-related conditions. This variant is not present in population databases (gnomAD no frequency). This sequence change replaces proline, which is neutral and non-polar, with serine, which is neutral and polar, at codon 416 of the COL5A2 protein (p.Pro416Ser).